The following is an entry in ClinVar:

ClinVar aggregate classification (germline): Uncertain significance. Review status: criteria provided, multiple submitters, no conflicts (2 of 4 stars). 2 submissions from 2 submitters: Uncertain significance (2). Last evaluated 2024-03-10.

Conditions:
Hereditary cancer-predisposing syndrome. Also called: Tumor predisposition; Neoplastic Syndromes, Hereditary; Hereditary neoplastic syndrome; Hereditary Cancer Syndrome. Identifiers: Orphanet 140162, MedGen C0027672, MeSH D009386, MONDO:0015356.

Submissions (2):

Ambry Genetics
Classification: Uncertain significance for Hereditary cancer-predisposing syndrome. Last evaluated: 2024-03-10. Review status: criteria provided, single submitter. Criteria: Ambry Variant Classification Scheme 2023. Collection method: clinical testing. Allele origin: germline.
Comment: The p.S244R variant (also known as c.732C>A), located in coding exon 4 of the BARD1 gene, results from a C to A substitution at nucleotide position 732. The serine at codon 244 is replaced by arginine, an amino acid with dissimilar properties. This amino acid position is conserved. In addition, this alteration is predicted to be tolerated by in silico analysis. Based on the available evidence, the clinical significance of this alteration remains unclear.

Color Diagnostics, LLC DBA Color Health
Classification: Uncertain significance for Hereditary cancer-predisposing syndrome. Last evaluated: 2023-12-04. Review status: criteria provided, single submitter. Criteria: ACMG Guidelines, 2015. Collection method: clinical testing. Allele origin: germline.
Comment: This missense variant replaces serine with arginine at codon 244 of the BARD1 protein. Computational prediction suggests that this variant may not impact protein structure and function (internally defined REVEL score threshold <= 0.5, PMID: 27666373). To our knowledge, functional studies have not been reported for this variant. This variant has not been reported in individuals affected with BARD1-related disorders in the literature. This variant has not been identified in the general population by the Genome Aggregation Database (gnomAD). The available evidence is insufficient to determine the role of this variant in disease conclusively. Therefore, this variant is classified as a Variant of Uncertain Significance.

NM_000465.4(BARD1):c.732C>A (p.Ser244Arg)

Gene: BARD1 (BRCA1 associated RING domain 1; minus strand). Cytogenetic location: 2q35.
Variant type: single nucleotide variant.
Coding change: c.732C>A on transcript NM_000465.4 (MANE Select); coding-DNA position 732, C replaced by A.
Protein change: p.Ser244Arg; replaces serine 244 with arginine.
Molecular consequence: missense variant. On other transcripts: non-coding transcript variant (2), intron variant (3).
Genome position (GRCh38, 1-based): chr2:214,781,142, G>T on the plus strand (C>A on the coding strand, the complement: BARD1 is on the minus strand). VCF-style: chr2-214781142-G-T. GRCh37 (hg19) VCF-style: chr2-215645866-G-T.
Other names: c.675C>A, p.Ser225Arg (NM_001282543.2); c.158+28270C>A (NM_001282548.2); c.215+15919C>A (NM_001282545.2); c.364+11155C>A (NM_001282549.2); c.732C>A (NM_000465.2); short protein forms S244R, S225R.
Identifiers: ClinVar variation 630902 (VCV000630902.6), dbSNP rs774675180, ClinGen allele CA350456154.
Genomic context (GRCh38, chr2:214,781,142, plus strand): 5'-GCCACTTGCTAGTAAGTCTATTTCACCATTTATCTGAGGACTGGAGATAACAGATGGTTG[G>T]CTACAGAAGGATACCAGCTTTTGCTTAGATTCCTCTTTGGAGTCAAATTCACCATCTTCT-3'
Protein context (NP_000456.2, residues 234-254): ESKQKLVSFC[Ser244Arg]QPSVISSPQI